The following is an entry in ClinVar:

ClinVar aggregate classification (germline): Uncertain significance (1 of 4 stars; one submission).

Conditions:
MHC class I deficiency. Identifiers: Orphanet 34592, MedGen C6024714, MONDO:0011476.

gnomAD v4.1: 1 of 1,575,812 alleles (0.000063%); highest among the groups gnomAD compares: Non-Finnish European, 0.000086%; no homozygotes.

Submission:

Labcorp Genetics (formerly Invitae), Labcorp
Classification: Uncertain significance for MHC class I deficiency 1. Last evaluated: 2024-08-29. Review status: criteria provided, single submitter. Criteria: Invitae Variant Classification Sherloc (09022015). Collection method: clinical testing. Allele origin: germline.
Comment: This sequence change replaces threonine, which is neutral and polar, with alanine, which is neutral and non-polar, at codon 188 of the TAPBP protein (p.Thr188Ala). This variant is not present in population databases (gnomAD no frequency). This variant has not been reported in the literature in individuals affected with TAPBP-related conditions. ClinVar contains an entry for this variant (Variation ID: 657524). An algorithm developed to predict the effect of missense changes on protein structure and function outputs the following: PolyPhen-2: "Benign". The alanine amino acid residue is found in multiple mammalian species, which suggests that this missense change does not adversely affect protein function. In summary, the available evidence is currently insufficient to determine the role of this variant in disease. Therefore, it has been classified as a Variant of Uncertain Significance.

NM_003190.5(TAPBP):c.562A>G (p.Thr188Ala)

Gene: TAPBP (TAP binding protein; minus strand). Cytogenetic location: 6p21.32.
Variant type: single nucleotide variant.
Coding change: c.562A>G on transcript NM_003190.5 (MANE Select); coding-DNA position 562, A replaced by G.
Protein change: p.Thr188Ala; replaces threonine 188 with alanine.
Molecular consequence: missense variant.
Genome position (GRCh38, 1-based): chr6:33,305,295, T>C on the plus strand (A>G on the coding strand, the complement: TAPBP is on the minus strand). VCF-style: chr6-33305295-T-C. GRCh37 (hg19) VCF-style: chr6-33273072-T-C.
Other names: c.562A>G, p.Thr188Ala (NM_172208.3); c.301A>G, p.Thr101Ala (NM_172209.3); short protein forms T101A, T188A.
Identifiers: ClinVar variation 657524 (VCV000657524.8), dbSNP rs561629511, ClinGen allele CA363691906.
Genomic context (GRCh38, chr6:33,305,295, plus strand): 5'-GTCGCCACTCTAGCCCAAAGGGAGGGGGACCCGGAGCCAGAGATGAGGCGGCCTCGGAGG[T>C]GGGGGGCATGTAGGCAAAGCTCAAGTCCAGCAGAGCATCTTGTCCCAGTCTCACTCGAGG-3'
Protein context (NP_003181.3, residues 178-198): LDLSFAYMPP[Thr188Ala]SEAASSLAPG